The following is an entry in ClinVar:

NM_139058.3(ARX):c.1258C>G (p.Pro420Ala)

Gene: ARX (aristaless related homeobox; minus strand). Cytogenetic location: Xp21.3.
Variant type: single nucleotide variant.
Coding change: c.1258C>G on transcript NM_139058.3 (MANE Select); coding-DNA position 1258, C replaced by G.
Protein change: p.Pro420Ala; replaces proline 420 with alanine.
Molecular consequence: missense variant.
Genome position (GRCh38, 1-based): chrX:25,007,301, G>C on the plus strand (C>G on the coding strand, the complement: ARX is on the minus strand). VCF-style: chrX-25007301-G-C. GRCh37 (hg19) VCF-style: chrX-25025418-G-C.
Other names: short protein forms P420A.
Identifiers: ClinVar variation 4882359 (VCV004882359.2).
Genomic context (GRCh38, chrX:25,007,301, plus strand): 5'-CGGCGGCGGCGGCGGCGGCAGCGGCAGTCCAAGCGGAGTCGAGCGCCGGGTGGTGCGGAG[G>C]GAAGGGGCTGGCGTCCAGGTAGGGGCTGAGCGGGTGGGTGGCGGAGAGCGGCCCCGGGAA-3'
Protein context (NP_620689.1, residues 410-430): LSPYLDASPF[Pro420Ala]PHHPALDSAW

ClinVar aggregate classification (germline): Uncertain significance (1 of 4 stars; one submission).

Conditions:
Developmental and epileptic encephalopathy, 1 (DEE1). Also called: INFANTILE SPASM SYNDROME, X-LINKED 1; X-linked infantile spasms; West's syndrome; Tonic spasms with clustering, arrest of psychomotor development and hypsarrhythmia on EEG; X-Linked Infantile Spasm Syndrome; OHTAHARA SYNDROME, X-LINKED. Identifiers: MedGen C3463992, MONDO:0010632, OMIM 308350. Disease mechanism: loss of function.

Submission:

Dasa
Classification: Uncertain significance for Developmental and epileptic encephalopathy, 1. Last evaluated: 2025-11-05. Review status: criteria provided, single submitter. Criteria: DASA Assertion Criteria. Collection method: clinical testing. Allele origin: germline.
Comment: NM_139058.3(ARX):c.1258C>G (p.Pro420Ala) is a missense variant that results in the substitution of proline with alanine. This variant is absent from population databases. The currently available literature and clinical evidence are not sufficient to establish a definitive association between this variant and the reported condition. Therefore, this variant is classified as a variant of uncertain significance.